The following is an entry in ClinVar:

ClinVar aggregate classification (germline): Pathogenic (1 of 4 stars; one submission).

Conditions:
Gabriele de Vries syndrome. Identifiers: Orphanet 506358, MedGen C4479652, MONDO:0044738, OMIM 617557.

Submission:

Laboratory of Human Genetics, Universidade de São Paulo
Classification: Pathogenic for Gabriele de Vries syndrome. Last evaluated: 2022-03-16. Review status: criteria provided, single submitter. Criteria: ACMG Guidelines, 2015. Collection method: research. Allele origin: de novo. Affected: yes. Observed: 1 heterozygote.
Comment: This variant meets our criteria to be classified as pathogenic based upon segregation studies, absence from controls, and in-silico evaluation of pathogenicity.

NM_003403.5(YY1):c.1062+1G>A

Gene: YY1 (YY1 transcription factor; plus strand). Cytogenetic location: 14q32.2.
Variant type: single nucleotide variant.
Coding change: c.1062+1G>A on transcript NM_003403.5 (MANE Select); the canonical splice donor site of the intron after coding-DNA position 1062, G replaced by A.
Molecular consequence: splice donor variant.
Genome position (GRCh38, 1-based): chr14:100,276,649, G>A. VCF-style: chr14-100276649-G-A. GRCh37 (hg19) VCF-style: chr14-100742986-G-A.
Identifiers: ClinVar variation 1679536 (VCV001679536.2), dbSNP rs2139604254, ClinGen allele CA390969098.